The following is an entry in ClinVar:

NM_020549.5(CHAT):c.2190C>A (p.Ser730Arg)

Gene: CHAT (choline O-acetyltransferase; plus strand). Cytogenetic location: 10q11.23.
Variant type: single nucleotide variant.
Coding change: c.2190C>A on transcript NM_020549.5 (MANE Select); coding-DNA position 2190, C replaced by A.
Protein change: p.Ser730Arg; replaces serine 730 with arginine.
Molecular consequence: missense variant.
Genome position (GRCh38, 1-based): chr10:49,664,989, C>A. VCF-style: chr10-49664989-C-A. GRCh37 (hg19) VCF-style: chr10-50873035-C-A.
Other names: c.1836C>A, p.Ser612Arg (NM_001142929.2, NM_001142934.2, NM_020984.4 and 2 more transcripts); c.1944C>A, p.Ser648Arg (NM_001142933.2); short protein forms S648R, S730R, S612R.
Identifiers: ClinVar variation 1044562 (VCV001044562.7), dbSNP rs1840309085, ClinGen allele CA376714749.

ClinVar aggregate classification (germline): Uncertain significance (1 of 4 stars; one submission).

Conditions:
Familial infantile myasthenia (CMS6). Also called: MYASTHENIC SYNDROME, PRESYNAPTIC, CONGENITAL, ASSOCIATED WITH EPISODIC APNEA; Congenital myasthenic syndrome type 6; MYASTHENIC SYNDROME, CONGENITAL, 6, PRESYNAPTIC. Identifiers: Orphanet 590, MedGen C0393929, MONDO:0009689, OMIM 254210.

Allele frequency attached by ClinVar (database versions not stated): TOPMed below 0.00001.

Submission:

Labcorp Genetics (formerly Invitae), Labcorp
Classification: Uncertain significance for Familial infantile myasthenia. Last evaluated: 2020-02-21. Review status: criteria provided, single submitter. Criteria: Invitae Variant Classification Sherloc (09022015). Collection method: clinical testing. Allele origin: germline.
Comment: In summary, the available evidence is currently insufficient to determine the role of this variant in disease. Therefore, it has been classified as a Variant of Uncertain Significance. Algorithms developed to predict the effect of missense changes on protein structure and function (SIFT, PolyPhen-2, Align-GVGD) all suggest that this variant is likely to be tolerated, but these predictions have not been confirmed by published functional studies and their clinical significance is uncertain. This variant has not been reported in the literature in individuals with CHAT-related conditions. This variant is not present in population databases (ExAC no frequency). This sequence change replaces serine with arginine at codon 730 of the CHAT protein (p.Ser730Arg). The serine residue is weakly conserved and there is a moderate physicochemical difference between serine and arginine.